The following is an entry in ClinVar:

ClinVar aggregate classification (germline): Uncertain significance (1 of 4 stars; one submission).

Conditions:
Hereditary cancer-predisposing syndrome. Also called: Neoplastic Syndromes, Hereditary; Tumor predisposition; Hereditary neoplastic syndrome; Hereditary Cancer Syndrome. Identifiers: Orphanet 140162, MedGen C0027672, MeSH D009386, MONDO:0015356.

Submission:

Ambry Genetics
Classification: Uncertain significance for Hereditary cancer-predisposing syndrome. Last evaluated: 2026-09-14. Review status: criteria provided, single submitter. Criteria: Ambry Variant Classification Scheme 2023. Collection method: clinical testing. Allele origin: germline.
Comment: The p.P710L variant (also known as c.2129C>T), located in coding exon 15 of the MSH3 gene, results from a C to T substitution at nucleotide position 2129. The proline at codon 710 is replaced by leucine, an amino acid with similar properties. This amino acid position is conserved. In addition, the in silico prediction for this alteration is inconclusive. Based on the available evidence, the clinical significance of this variant remains unclear.

NM_002439.5(MSH3):c.2129C>T (p.Pro710Leu)

Gene: MSH3 (mutS homolog 3; plus strand). Cytogenetic location: 5q14.1.
Variant type: single nucleotide variant.
Coding change: c.2129C>T on transcript NM_002439.5 (MANE Select); coding-DNA position 2129, C replaced by T.
Protein change: p.Pro710Leu; replaces proline 710 with leucine.
Molecular consequence: missense variant.
Genome position (GRCh38, 1-based): chr5:80,768,879, C>T. VCF-style: chr5-80768879-C-T. GRCh37 (hg19) VCF-style: chr5-80064698-C-T.
Other names: short protein forms P710L.
Identifiers: ClinVar variation 5024843 (VCV005024843.1).